The following is an entry in ClinVar:

NM_007194.4(CHEK2):c.1272delinsCA (p.Pro425fs)

Gene: CHEK2 (checkpoint kinase 2; minus strand). Cytogenetic location: 22q12.1.
Variant type: Indel.
Coding change: c.1272delinsCA on transcript NM_007194.4 (MANE Select); coding-DNA position 1272, T replaced by CA.
Protein change: p.Pro425fs; shifts the reading frame from proline 425.
Molecular consequence: frameshift variant.
Genome position (GRCh38, 1-based): chr22:28,695,230, A replaced by TG on the plus strand (T replaced by CA on the coding strand, the reverse complement: CHEK2 is on the minus strand). VCF-style: chr22-28695230-A-TG. GRCh37 (hg19) VCF-style: chr22-29091218-A-TG.
Other names: c.1401delTinsCA, p.Pro468Thrfs (NM_001005735.3); c.609delTinsCA, p.Pro204Thrfs (NM_001257387.3); c.1071delTinsCA, p.Pro358Thrfs (NM_001349956.3); c.1185delTinsCA, p.Pro396Thrfs (NM_145862.3); short protein forms P396fs, P425fs, P204fs, P358fs, P468fs.
Identifiers: ClinVar variation 4002275 (VCV004002275.1).

ClinVar aggregate classification (germline): Pathogenic (1 of 4 stars; one submission).

Conditions:
Hereditary cancer-predisposing syndrome. Also called: Tumor predisposition; Hereditary neoplastic syndrome; Neoplastic Syndromes, Hereditary; Hereditary Cancer Syndrome. Identifiers: Orphanet 140162, MedGen C0027672, MeSH D009386, MONDO:0015356.

Submission:

Ambry Genetics
Classification: Pathogenic for Hereditary cancer-predisposing syndrome. Last evaluated: 2025-06-13. Review status: criteria provided, single submitter. Criteria: Ambry Variant Classification Scheme 2023. Collection method: clinical testing. Allele origin: germline.
Comment: The c.1272delTinsCA pathogenic mutation, located in coding exon 11 of the CHEK2 gene, results from the deletion of one nucleotide and insertion of two nucleotides causing a translational frameshift with a predicted alternate stop codon (p.P425Tfs*5). This variant is considered to be rare based on population cohorts in the Genome Aggregation Database (gnomAD). This alteration is expected to result in loss of function by premature protein truncation or nonsense-mediated mRNA decay. As such, this alteration is interpreted as a disease-causing mutation.